The following is an entry in ClinVar:

NM_012275.3(IL36RN):c.363G>A (p.Leu121=)

Gene: IL36RN (interleukin 36 receptor antagonist; plus strand). Cytogenetic location: 2q14.1.
Variant type: single nucleotide variant.
Coding change: c.363G>A on transcript NM_012275.3 (MANE Select); coding-DNA position 363, G replaced by A.
Protein change: p.Leu121=; no amino-acid change (leucine 121 retained).
Molecular consequence: synonymous variant.
Genome position (GRCh38, 1-based): chr2:113,062,572, G>A. VCF-style: chr2-113062572-G-A. GRCh37 (hg19) VCF-style: chr2-113820149-G-A.
Other names: p.Leu121=; c.363G>A, p.Leu121= (NM_173170.1).
Identifiers: ClinVar variation 330780 (VCV000330780.24), dbSNP rs151274071, ClinGen allele CA1838449.

ClinVar aggregate classification (germline): Conflicting classifications of pathogenicity. Review status: criteria provided, conflicting classifications (1 of 4 stars). 7 submissions from 7 submitters: Uncertain significance (2); Likely benign (4). 1 of the submissions does not count toward it. Last evaluated 2026-08-01.

Conditions:
Generalized pustular psoriasis. Identifiers: Orphanet 247353, MedGen C0343055, MONDO:0100491.
IL36RN-related disorder. Also called: IL36RN-related condition.
Autoinflammatory syndrome. Identifiers: Orphanet 93665, MedGen C3890737, MONDO:0019751.

Allele frequency attached by ClinVar (database versions not stated): ESP Exome Variant Server 0.00031; ExAC 0.00037; 1000 Genomes Project 0.00040; 1000 Genomes Project 30x 0.00047; gnomAD exomes 0.00052 and 0.00084; gnomAD 0.00068 and 0.00070; TOPMed 0.00070.
gnomAD v4.1: 1,332 of 1,613,942 alleles (0.083%); highest among the groups gnomAD compares: Admixed American, 0.13%; no homozygotes.

Submissions (7):

CeGaT Center for Human Genetics Tuebingen
Classification: Likely benign. Last evaluated: 2026-08-01. Review status: criteria provided, single submitter. Criteria: CeGaT Center For Human Genetics Tuebingen Variant Classification Criteria Version 2. Collection method: clinical testing. Allele origin: germline. Affected: yes. Observed: 1 variant allele.
Comment: IL36RN: BP4, BP7

Labcorp Genetics (formerly Invitae), Labcorp
Classification: Likely benign for Generalized pustular psoriasis. Last evaluated: 2026-01-16. Review status: criteria provided, single submitter. Criteria: Invitae Variant Classification Sherloc (09022015). Collection method: clinical testing. Allele origin: germline.

Mayo Clinic Laboratories, Mayo Clinic
Classification: Likely benign. Last evaluated: 2025-02-05. Review status: criteria provided, single submitter. Criteria: ACMG Guidelines, 2015. Collection method: clinical testing. Allele origin: germline. Observed: 1 variant allele.
Comment: BP4, BP7

Blueprint Genetics
Classification: Likely benign. Last evaluated: 2024-10-09. Review status: criteria provided, single submitter. Criteria: ACMG Guidelines, 2015. Collection method: clinical testing. Allele origin: germline.

Genome Diagnostics Laboratory, The Hospital for Sick Children
Classification: Uncertain significance for Autoinflammatory syndrome. Last evaluated: 2022-03-14. Review status: criteria provided, single submitter. Criteria: ACMG Guidelines, 2015. Collection method: clinical testing. Allele origin: germline. Affected: yes.

Illumina Laboratory Services, Illumina
Classification: Uncertain significance for Acrodermatitis continua suppurativa of Hallopeau. Last evaluated: 2018-01-12. Review status: criteria provided, single submitter. Criteria: ICSL Variant Classification Criteria 13 December 2019. Collection method: clinical testing. Allele origin: germline.

PreventionGenetics, part of Exact Sciences
Classification: Likely benign for IL36RN-related condition. Last evaluated: 2019-05-14. Review status: no assertion criteria provided. Collection method: clinical testing. Allele origin: germline. Not counted in ClinVar's aggregate classification.
Comment: This variant is classified as likely benign based on ACMG/AMP sequence variant interpretation guidelines (Richards et al. 2015 PMID: 25741868, with internal and published modifications).